The following is an entry in ClinVar:

NM_001366521.1(ATP2B1):c.2067+3G>A

Gene: ATP2B1 (ATPase plasma membrane Ca2+ transporting 1; minus strand). Cytogenetic location: 12q21.33.
Variant type: single nucleotide variant.
Coding change: c.2067+3G>A on transcript NM_001366521.1 (MANE Select); 3 bases into the intron after coding-DNA position 2067, G replaced by A.
Molecular consequence: intron variant.
Genome position (GRCh38, 1-based): chr12:89,616,799, C>T on the plus strand (G>A on the coding strand, the complement: ATP2B1 is on the minus strand). VCF-style: chr12-89616799-C-T. GRCh37 (hg19) VCF-style: chr12-90010576-C-T.
Other names: c.1869+3G>A (NM_001413053.1, NM_001366530.1); c.1506+3G>A (NM_001413060.1, NM_001366531.1, NM_001413058.1 and 2 more transcripts); c.1812+3G>A (NM_001413056.1); c.1926+3G>A (NM_001413051.1, NM_001413055.1, NM_001413052.1); c.2028+3G>A (NM_001413048.1); c.1824+3G>A (NM_001413054.1); c.2067+3G>A (NM_001413050.1, NM_001366529.1, NM_001366528.1 and 12 more transcripts); c.1614+3G>A (NM_001413057.1).
Identifiers: ClinVar variation 3068969 (VCV003068969.2), dbSNP rs373104450, ClinGen allele CA693197219.
Genomic context (GRCh38, chr12:89,616,799, plus strand): 5'-TAAGGCCTAGGTCCTCTATAGTTATGAGATTCTGCACATGCAGAACACAGAATGTTTCAC[C>T]ACCTCAGGTCTCACAGGATCTTCAATCCCCACAACAGCAATGCATGTAAGGCCGGTGACA-3'

ClinVar aggregate classification (germline): Uncertain significance (1 of 4 stars; one submission).

Allele frequency attached by ClinVar (database versions not stated): gnomAD 0.00001; TOPMed 0.00001.
gnomAD v4.1: 2 of 1,610,640 alleles (0.00012%); highest among the groups gnomAD compares: Non-Finnish European, 0.00017%; no homozygotes.

Submission:

Women's Health and Genetics/Laboratory Corporation of America, LabCorp
Classification: Uncertain significance. Last evaluated: 2024-02-20. Review status: criteria provided, single submitter. Criteria: LabCorp Variant Classification Summary - May 2015. Collection method: clinical testing. Allele origin: germline.
Comment: Variant summary: ATP2B1 c.2067+3G>A alters a non-conserved nucleotide located close to a canonical splice site and therefore could affect mRNA splicing, leading to a significantly altered protein sequence. Consensus agreement among computation tools predict no significant impact on normal splicing. However, these predictions have yet to be confirmed by functional studies. The variant was absent in 250548 control chromosomes (gnomAD). The available data on variant occurrences in the general population are insufficient to allow any conclusion about variant significance. To our knowledge, no occurrence of c.2067+3G>A in individuals affected with Autosomal Dominant Intellectual Developmental Disorder and no experimental evidence demonstrating its impact on protein function have been reported. No submitters have cited clinical-significance assessments for this variant to ClinVar. Based on the evidence outlined above, the variant was classified as uncertain significance.